The following is an entry in ClinVar:

ClinVar aggregate classification (germline): Uncertain significance (1 of 4 stars; one submission).

Conditions:
Cardiovascular phenotype. Identifiers: MedGen CN230736.

Allele frequency attached by ClinVar (database versions not stated): gnomAD 0.00001; gnomAD exomes 0.00001; ExAC 0.00002.
gnomAD v4.1: 9 of 1,613,988 alleles (0.00056%); highest among the groups gnomAD compares: African/African-American, 0.0027%; no homozygotes.

Submission:

Ambry Genetics
Classification: Uncertain significance for Cardiovascular phenotype. Last evaluated: 2024-01-27. Review status: criteria provided, single submitter. Criteria: Ambry Variant Classification Scheme 2023. Collection method: clinical testing. Allele origin: germline.
Comment: The p.D1640N variant (also known as c.4918G>A), located in coding exon 27 of the SCN10A gene, results from a G to A substitution at nucleotide position 4918. The aspartic acid at codon 1640 is replaced by asparagine, an amino acid with highly similar properties. This amino acid position is highly conserved in available vertebrate species. In addition, the in silico prediction for this alteration is inconclusive. Since supporting evidence is limited at this time, the clinical significance of this alteration remains unclear.

NM_006514.4(SCN10A):c.4918G>A (p.Asp1640Asn)

Gene: SCN10A (sodium voltage-gated channel alpha subunit 10; minus strand). Cytogenetic location: 3p22.2.
Variant type: single nucleotide variant.
Coding change: c.4918G>A on transcript NM_006514.4 (MANE Select); coding-DNA position 4918, G replaced by A.
Protein change: p.Asp1640Asn; replaces aspartic acid 1640 with asparagine.
Molecular consequence: missense variant.
Genome position (GRCh38, 1-based): chr3:38,698,302, C>T on the plus strand (G>A on the coding strand, the complement: SCN10A is on the minus strand). VCF-style: chr3-38698302-C-T. GRCh37 (hg19) VCF-style: chr3-38739793-C-T.
Other names: c.4915G>A, p.Asp1639Asn (NM_001293306.2); c.4624G>A, p.Asp1542Asn (NM_001293307.2); short protein forms D1639N, D1640N, D1542N.
Identifiers: ClinVar variation 1744091 (VCV001744091.2), dbSNP rs755345260, ClinGen allele CA2319777.